The following is an entry in ClinVar:

ClinVar aggregate classification (germline): Pathogenic (1 of 4 stars; one submission).

Submission:

Labcorp Genetics (formerly Invitae), Labcorp
Classification: Pathogenic. Last evaluated: 2022-05-13. Review status: criteria provided, single submitter. Criteria: Invitae Variant Classification Sherloc (09022015). Collection method: clinical testing. Allele origin: germline.
Comment: For these reasons, this variant has been classified as Pathogenic. This variant has not been reported in the literature in individuals affected with EIF2B5-related conditions. This variant is not present in population databases (gnomAD no frequency). This sequence change creates a premature translational stop signal (p.Leu117Glnfs*20) in the EIF2B5 gene. It is expected to result in an absent or disrupted protein product. Loss-of-function variants in EIF2B5 are known to be pathogenic (PMID: 11704758, 15060152, 21307862).

Literature cited by the submitters: PubMed 11704758; PubMed 15060152; PubMed 21307862.

NM_003907.3(EIF2B5):c.350_351del (p.Leu117fs)

Gene: EIF2B5 (eukaryotic translation initiation factor 2B subunit epsilon; plus strand). Cytogenetic location: 3q27.1.
Variant type: Microsatellite.
Coding change: c.350_351del on transcript NM_003907.3 (MANE Select); coding-DNA positions 350 to 351, 2 bases deleted (TC; older notation c.350_351delTC).
Protein change: p.Leu117fs; shifts the reading frame from leucine 117.
Molecular consequence: frameshift variant.
Genome position (GRCh38, 1-based): chr3:184,137,649-184,137,650, TC deleted; deleting any 2 consecutive bases within chr3:184,137,645-184,137,650 gives the same sequence; the c. name uses the placement nearest the transcript's 3' end. VCF-style (leftmost placement, unchanged base first): chr3-184137644-ATC-A. GRCh37 (hg19) VCF-style: chr3-183855432-ATC-A.
Other names: short protein forms L117fs.
Identifiers: ClinVar variation 1994086 (VCV001994086.4), dbSNP rs2473660992, ClinGen allele CA2580616017.